The following is an entry in ClinVar:

NC_000008.10:g.(?_100182247)_(100589881_?)del

Gene: VPS13B (vacuolar protein sorting 13 homolog B; plus strand). Cytogenetic location: 8q22.2.
Variant type: Deletion.
Identifiers: ClinVar variation 3245436 (VCV003245436.1).

ClinVar aggregate classification (germline): Pathogenic (1 of 4 stars; one submission).

Conditions:
Cohen syndrome (COH1). Also called: Cutis verticis gyrata, retinitis pigmentosa, and sensorineural deafness; PEPPER SYNDROME. Identifiers: Orphanet 193, MedGen C0265223, MONDO:0008999, OMIM 216550.

Submission:

Labcorp Genetics (formerly Invitae), Labcorp
Classification: Pathogenic for Cohen syndrome. Last evaluated: 2023-11-13. Review status: criteria provided, single submitter. Criteria: Invitae Variant Classification Sherloc (09022015). Collection method: clinical testing. Allele origin: unknown.
Comment: This variant is a gross deletion of the genomic region encompassing exon(s) 16-33 of the VPS13B gene. This variant would be expected to be in-frame, preserving the integrity of the reading frame. This variant has not been reported in the literature in individuals affected with VPS13B-related conditions. This variant disrupts a region of the VPS13B protein in which other variant(s) (Deletion (Exons 26-32)) have been determined to be pathogenic (PMID: 29634382). This suggests that this is a clinically significant region of the protein, and that variants that disrupt it are likely to be disease-causing. For these reasons, this variant has been classified as Pathogenic.

Literature cited by the submitters: PubMed 29634382.